The following is an entry in ClinVar:

ClinVar aggregate classification (germline): Likely benign. Review status: criteria provided, multiple submitters, no conflicts (2 of 4 stars). 2 submissions from 2 submitters: Likely benign (2). Last evaluated 2025-10-22.

Conditions:
EP300-related disorder. Also called: EP300-related condition; EP300-related disorders.
Rubinstein-Taybi syndrome due to EP300 haploinsufficiency. Also called: EP300-Related Rubinstein-Taybi Syndrome; RUBINSTEIN-TAYBI SYNDROME 2. Identifiers: Orphanet 353284, Orphanet 783, MedGen C3150941, MONDO:0013364, OMIM 613684.

Allele frequency attached by ClinVar (database versions not stated): gnomAD exomes below 0.00001; gnomAD 0.00001.
gnomAD v4.1: 8 of 1,613,946 alleles (0.0005%); highest among the groups gnomAD compares: African/African-American, 0.004%; no homozygotes.

Submissions (2):

PreventionGenetics, part of Exact Sciences
Classification: Likely benign for EP300-related condition. Last evaluated: 2025-10-22. Review status: criteria provided, single submitter. Criteria: ACMG Guidelines, 2015. Collection method: clinical testing. Allele origin: germline.
Comment: This variant is classified as likely benign based on ACMG/AMP sequence variant interpretation guidelines (Richards et al. 2015 PMID: 25741868, with internal and published modifications).

Labcorp Genetics (formerly Invitae), Labcorp
Classification: Likely benign for Rubinstein-Taybi syndrome due to EP300 haploinsufficiency. Last evaluated: 2022-01-02. Review status: criteria provided, single submitter. Criteria: Invitae Variant Classification Sherloc (09022015). Collection method: clinical testing. Allele origin: germline.

NM_001429.4(EP300):c.6105G>A (p.Gln2035=)

Gene: EP300 (EP300 lysine acetyltransferase; plus strand). Cytogenetic location: 22q13.2.
Variant type: single nucleotide variant.
Coding change: c.6105G>A on transcript NM_001429.4 (MANE Select); coding-DNA position 6105, G replaced by A.
Protein change: p.Gln2035=; no amino-acid change (glutamine 2035 retained).
Molecular consequence: synonymous variant.
Genome position (GRCh38, 1-based): chr22:41,177,816, G>A. VCF-style: chr22-41177816-G-A. GRCh37 (hg19) VCF-style: chr22-41573820-G-A.
Other names: c.6105G>A (NM_001429.3); c.6027G>A, p.Gln2009= (NM_001362843.2).
Identifiers: ClinVar variation 2194048 (VCV002194048.5), dbSNP rs1441073777, ClinGen allele CA514794626.